The following is an entry in ClinVar:

ClinVar aggregate classification (germline): Uncertain significance (1 of 4 stars; one submission).

Conditions:
Cholestasis-pigmentary retinopathy-cleft palate syndrome (HDKR). Also called: Hardikar Syndrome (HS). Identifiers: Orphanet 1415, MedGen C0795969, MeSH C535632, MONDO:0012997, OMIM 301068.

Submission:

Laboratorio de Genetica e Diagnostico Molecular, Hospital Israelita Albert Einstein
Classification: Uncertain significance for Cholestasis-pigmentary retinopathy-cleft palate syndrome. Last evaluated: 2023-01-06. Review status: criteria provided, single submitter. Criteria: ACMG Guidelines, 2015. Collection method: clinical testing. Allele origin: germline. Affected: yes.
Comment: ACMG classification criteria: PM2 moderated, PP2 supporting, BP4 supporting

NM_005120.3(MED12):c.5429G>T (p.Gly1810Val)

Gene: MED12 (mediator complex subunit 12; plus strand). Cytogenetic location: Xq13.1.
Variant type: single nucleotide variant.
Coding change: c.5429G>T on transcript NM_005120.3 (MANE Select); coding-DNA position 5429, G replaced by T.
Protein change: p.Gly1810Val; replaces glycine 1810 with valine.
Molecular consequence: missense variant.
Genome position (GRCh38, 1-based): chrX:71,136,907, G>T. VCF-style: chrX-71136907-G-T. GRCh37 (hg19) VCF-style: chrX-70356757-G-T.
Other names: short protein forms G1810V.
Identifiers: ClinVar variation 2431508 (VCV002431508.2), dbSNP rs2519713061, ClinGen allele CA413535520.
Genomic context (GRCh38, chrX:71,136,907, plus strand): 5'-CCACTCACCCTCTTCCTCTGCCACTCACACAGGACTATGGAATGGGCCCGGGTCGGAGCG[G>T]CCCTTATGGTGTGACAGTGCCTCCGGACCTCCTGCACCACCCAAACCCTGGTTCTATAAC-3'
Protein context (NP_005111.2, residues 1800-1820): EDYGMGPGRS[Gly1810Val]PYGVTVPPDL